The following is an entry in ClinVar:

ClinVar aggregate classification (germline): Pathogenic (1 of 4 stars; one submission).

Submission:

Labcorp Genetics (formerly Invitae), Labcorp
Classification: Pathogenic. Last evaluated: 2022-11-29. Review status: criteria provided, single submitter. Criteria: Invitae Variant Classification Sherloc (09022015). Collection method: clinical testing. Allele origin: germline.
Comment: This sequence change creates a premature translational stop signal (p.Gly187Leufs*5) in the EYS gene. It is expected to result in an absent or disrupted protein product. Loss-of-function variants in EYS are known to be pathogenic (PMID: 18836446, 20333770). This variant is not present in population databases (gnomAD no frequency). This variant has not been reported in the literature in individuals affected with EYS-related conditions. For these reasons, this variant has been classified as Pathogenic.

Literature cited by the submitters: PubMed 18836446; PubMed 20333770.

NM_001142800.2(EYS):c.549_558dup (p.Gly187fs)

Gene: EYS (EGF-like photoreceptor maintenance factor; minus strand). Cytogenetic location: 6q12.
Variant type: Duplication.
Coding change: c.549_558dup on transcript NM_001142800.2 (MANE Select); coding-DNA positions 549 to 558, 10 bases duplicated (CTCTGGTCAT; older notation c.549_558dupCTCTGGTCAT).
Protein change: p.Gly187fs; shifts the reading frame from glycine 187.
Molecular consequence: frameshift variant.
Genome position (GRCh38, 1-based): chr6:65,494,853-65,494,862, ATGACCAGAG duplicated on the plus strand (CTCTGGTCAT on the coding strand, the reverse complement: EYS is on the minus strand). VCF-style (leftmost placement, unchanged base first): chr6-65494852-C-CATGACCAGAG. GRCh37 (hg19) VCF-style: chr6-66204745-C-CATGACCAGAG.
Other names: c.549_558dup, p.Gly187fs (NM_001142801.2, NM_001292009.2, NM_198283.2); short protein forms G187fs.
Identifiers: ClinVar variation 2817346 (VCV002817346.3), dbSNP rs2533028203, ClinGen allele CA2739273186.
Genomic context (GRCh38, chr6:65,494,852, plus strand): 5'-AAAATGGAGGCTGGCAATGGCAGCTATATGTCTTGCTCCAAGCTTCACTAAGACATTTAC[C>CATGACCAGAG]ATGACCAGAGCAAAATTCTGAACTCAGAGATTCCTGGCAGAACTGCTGTTTCACTGTCAC-3'